The following is an entry in ClinVar:

NM_001079843.3(CASZ1):c.5260A>G (p.Thr1754Ala)

Gene: CASZ1 (castor zinc finger 1; minus strand). Cytogenetic location: 1p36.22.
Variant type: single nucleotide variant.
Coding change: c.5260A>G on transcript NM_001079843.3 (MANE Select); coding-DNA position 5260, A replaced by G.
Protein change: p.Thr1754Ala; replaces threonine 1754 with alanine.
Molecular consequence: missense variant.
Genome position (GRCh38, 1-based): chr1:10,638,962, T>C on the plus strand (A>G on the coding strand, the complement: CASZ1 is on the minus strand). VCF-style: chr1-10638962-T-C. GRCh37 (hg19) VCF-style: chr1-10699019-T-C.
Other names: short protein forms T1754A.
Identifiers: ClinVar variation 3699732 (VCV003699732.2).

ClinVar aggregate classification (germline): Uncertain significance (1 of 4 stars; one submission).

Submission:

Labcorp Genetics (formerly Invitae), Labcorp
Classification: Uncertain significance. Last evaluated: 2024-02-11. Review status: criteria provided, single submitter. Criteria: Invitae Variant Classification Sherloc (09022015). Collection method: clinical testing. Allele origin: germline.
Comment: This sequence change replaces threonine, which is neutral and polar, with alanine, which is neutral and non-polar, at codon 1754 of the CASZ1 protein (p.Thr1754Ala). The frequency data for this variant in the population databases is considered unreliable, as metrics indicate insufficient coverage at this position in the gnomAD database. This variant has not been reported in the literature in individuals affected with CASZ1-related conditions. Algorithms developed to predict the effect of missense changes on protein structure and function output the following: SIFT: "Not Available"; PolyPhen-2: "Not Available"; Align-GVGD: "Not Available". The alanine amino acid residue is found in multiple mammalian species, which suggests that this missense change does not adversely affect protein function. In summary, the available evidence is currently insufficient to determine the role of this variant in disease. Therefore, it has been classified as a Variant of Uncertain Significance.